The following is an entry in ClinVar:

ClinVar aggregate classification (germline): Uncertain significance (1 of 4 stars; one submission).

Allele frequency attached by ClinVar (database versions not stated): TOPMed below 0.00001; gnomAD exomes 0.00001 and 0.00002; gnomAD 0.00001; ExAC 0.00002.
gnomAD v4.1: 18 of 1,613,640 alleles (0.0011%); highest among the groups gnomAD compares: South Asian, 0.018%; no homozygotes.

Submission:

Labcorp Genetics (formerly Invitae), Labcorp
Classification: Uncertain significance. Last evaluated: 2025-04-14. Review status: criteria provided, single submitter. Criteria: Invitae Variant Classification Sherloc (09022015). Collection method: clinical testing. Allele origin: germline.
Comment: This sequence change replaces threonine, which is neutral and polar, with arginine, which is basic and polar, at codon 1873 of the PCDH15 protein (p.Thr1873Arg). This variant is present in population databases (rs754865702, gnomAD 0.02%). This variant has not been reported in the literature in individuals affected with PCDH15-related conditions. ClinVar contains an entry for this variant (Variation ID: 1398245). Invitae Evidence Modeling of protein sequence and biophysical properties (such as structural, functional, and spatial information, amino acid conservation, physicochemical variation, residue mobility, and thermodynamic stability) indicates that this missense variant is not expected to disrupt PCDH15 protein function with a negative predictive value of 95%. In summary, the available evidence is currently insufficient to determine the role of this variant in disease. Therefore, it has been classified as a Variant of Uncertain Significance.

NM_033056.4(PCDH15):c.5618C>G (p.Thr1873Arg)

Gene: PCDH15 (protocadherin related 15; minus strand). Cytogenetic location: 10q21.1.
Variant type: single nucleotide variant.
Coding change: c.5618C>G on transcript NM_033056.4 (MANE Plus Clinical); coding-DNA position 5618, C replaced by G.
Protein change: p.Thr1873Arg; replaces threonine 1873 with arginine.
Molecular consequence: missense variant. On other transcripts: intron variant (8).
Genome position (GRCh38, 1-based): chr10:53,822,108, G>C on the plus strand (C>G on the coding strand, the complement: PCDH15 is on the minus strand). VCF-style: chr10-53822108-G-C. GRCh37 (hg19) VCF-style: chr10-55581868-G-C.
Other names: c.5549C>G, p.Thr1850Arg (NM_001142773.2); c.5552C>G, p.Thr1851Arg (NM_001354404.2); c.4367+5285C>G (NM_001354420.2); c.4368-4095C>G (NM_001354429.2); c.4368-1878C>G (NM_001384140.1); c.4373+3028C>G (NM_001142772.2, NM_001142770.3); c.4388+3028C>G (NM_001142771.2); c.4388+5285C>G (NM_001354411.2); and 7 more; short protein forms T1833R, T1850R, T1804R, T1853R, T1873R, T1880R, T1875R, T1851R.
Identifiers: ClinVar variation 1398245 (VCV001398245.7), dbSNP rs754865702, ClinGen allele CA5504996.